The following is an entry in ClinVar:

NM_003482.4(KMT2D):c.1109G>T (p.Ser370Ile)

Gene: KMT2D (lysine methyltransferase 2D; minus strand). Cytogenetic location: 12q13.12.
Variant type: single nucleotide variant.
Coding change: c.1109G>T on transcript NM_003482.4 (MANE Select); coding-DNA position 1109, G replaced by T.
Protein change: p.Ser370Ile; replaces serine 370 with isoleucine.
Molecular consequence: missense variant.
Genome position (GRCh38, 1-based): chr12:49,052,918, C>A on the plus strand (G>T on the coding strand, the complement: KMT2D is on the minus strand). VCF-style: chr12-49052918-C-A. GRCh37 (hg19) VCF-style: chr12-49446701-C-A.
Other names: short protein forms S370I.
Identifiers: ClinVar variation 1963452 (VCV001963452.5), dbSNP rs1938166635, ClinGen allele CA384677527.

ClinVar aggregate classification (germline): Uncertain significance (1 of 4 stars; one submission).

Conditions:
Kabuki syndrome. Also called: Kabuki make-up syndrome; NIIKAWA-KUROKI SYNDROME. Identifiers: Orphanet 2322, MedGen C0796004, MONDO:0016512.

Submission:

Labcorp Genetics (formerly Invitae), Labcorp
Classification: Uncertain significance for Kabuki syndrome. Last evaluated: 2022-09-27. Review status: criteria provided, single submitter. Criteria: Invitae Variant Classification Sherloc (09022015). Collection method: clinical testing. Allele origin: germline.
Comment: This sequence change replaces serine, which is neutral and polar, with isoleucine, which is neutral and non-polar, at codon 370 of the KMT2D protein (p.Ser370Ile). This variant is not present in population databases (gnomAD no frequency). This variant has not been reported in the literature in individuals affected with KMT2D-related conditions. Advanced modeling of protein sequence and biophysical properties (such as structural, functional, and spatial information, amino acid conservation, physicochemical variation, residue mobility, and thermodynamic stability) performed at Invitae indicates that this missense variant is not expected to disrupt KMT2D protein function. In summary, the available evidence is currently insufficient to determine the role of this variant in disease. Therefore, it has been classified as a Variant of Uncertain Significance.